The following is an entry in ClinVar:

ClinVar aggregate classification (germline): Uncertain significance. Review status: criteria provided, multiple submitters, no conflicts (2 of 4 stars). 2 submissions from 2 submitters: Uncertain significance (2). Last evaluated 2026-08-04.

Conditions:
Hajdu-Cheney syndrome (HJCYS). Also called: ACROOSTEOLYSIS WITH OSTEOPOROSIS AND CHANGES IN SKULL AND MANDIBLE; SERPENTINE FIBULA-POLYCYSTIC KIDNEY SYNDROME; Acroosteolysis dominant type. Identifiers: Orphanet 955, MedGen C0917715, MONDO:0007057, OMIM 102500.
Inborn genetic diseases. Identifiers: MedGen C0950123, MeSH D030342.

gnomAD v4.1: 12 of 1,614,002 alleles (0.00074%); highest among the groups gnomAD compares: African/African-American, 0.0013%; no homozygotes.

Submissions (2):

Ambry Genetics
Classification: Uncertain significance for Inborn genetic diseases. Last evaluated: 2026-08-04. Review status: criteria provided, single submitter. Criteria: Ambry Variant Classification Scheme 2023. Collection method: clinical testing. Allele origin: germline.
Comment: The c.3415C>G (p.L1139V) alteration is located in exon 21 (coding exon 21) of the NOTCH2 gene. This alteration results from a C to G substitution at nucleotide position 3415, causing the leucine (L) at amino acid position 1139 to be replaced by a valine (V). Based on data from gnomAD, the G allele has an overall frequency of <0.001% (1/251282) total alleles studied. The highest observed frequency was 0.001% (1/113588) of European (non-Finnish) alleles. Based on insufficient or conflicting evidence, the clinical significance of this alteration remains unclear.

Labcorp Genetics (formerly Invitae), Labcorp
Classification: Uncertain significance for Hajdu-Cheney syndrome. Last evaluated: 2024-09-10. Review status: criteria provided, single submitter. Criteria: Invitae Variant Classification Sherloc (09022015). Collection method: clinical testing. Allele origin: germline.
Comment: This sequence change replaces leucine, which is neutral and non-polar, with valine, which is neutral and non-polar, at codon 1139 of the NOTCH2 protein (p.Leu1139Val). This variant is present in population databases (rs782345291, gnomAD 0.0009%). This variant has not been reported in the literature in individuals affected with NOTCH2-related conditions. Invitae Evidence Modeling of protein sequence and biophysical properties (such as structural, functional, and spatial information, amino acid conservation, physicochemical variation, residue mobility, and thermodynamic stability) indicates that this missense variant is not expected to disrupt NOTCH2 protein function with a negative predictive value of 80%. In summary, the available evidence is currently insufficient to determine the role of this variant in disease. Therefore, it has been classified as a Variant of Uncertain Significance.

NM_024408.4(NOTCH2):c.3415C>G (p.Leu1139Val)

Gene: NOTCH2 (notch receptor 2; minus strand). Cytogenetic location: 1p12.
Variant type: single nucleotide variant.
Coding change: c.3415C>G on transcript NM_024408.4 (MANE Select); coding-DNA position 3415, C replaced by G.
Protein change: p.Leu1139Val; replaces leucine 1139 with valine.
Molecular consequence: missense variant.
Genome position (GRCh38, 1-based): chr1:119,937,389, G>C on the plus strand (C>G on the coding strand, the complement: NOTCH2 is on the minus strand). VCF-style: chr1-119937389-G-C. GRCh37 (hg19) VCF-style: chr1-120480012-G-C.
Other names: c.3415C>G, p.Leu1139Val (NM_001200001.2); c.3415C>G (NM_024408.3); short protein forms L1139V.
Identifiers: ClinVar variation 3646281 (VCV003646281.3).